The following is an entry in ClinVar:

NM_002900.3(RBP3):c.1640C>T (p.Thr547Met)

Gene: RBP3 (retinol binding protein 3; plus strand). Cytogenetic location: 10q11.22.
Variant type: single nucleotide variant.
Coding change: c.1640C>T on transcript NM_002900.3 (MANE Select); coding-DNA position 1640, C replaced by T.
Protein change: p.Thr547Met; replaces threonine 547 with methionine.
Molecular consequence: missense variant.
Genome position (GRCh38, 1-based): chr10:47,350,124, C>T. VCF-style: chr10-47350124-C-T. GRCh37 (hg19) VCF-style: chr10-48389238-G-A.
Other names: short protein forms T547M.
Identifiers: ClinVar variation 1430291 (VCV001430291.6), dbSNP rs373846965, ClinGen allele CA5487472.

ClinVar aggregate classification (germline): Uncertain significance. Review status: criteria provided, multiple submitters, no conflicts (2 of 4 stars). 2 submissions from 2 submitters: Uncertain significance (2). Last evaluated 2022-11-03.

Allele frequency attached by ClinVar (database versions not stated): gnomAD 0.00004; gnomAD exomes 0.00004; ExAC 0.00006; ESP Exome Variant Server 0.00008.
gnomAD v4.1: 65 of 1,613,054 alleles (0.004%); highest among the groups gnomAD compares: East Asian, 0.02%; no homozygotes.

Submissions (2):

Blueprint Genetics
Classification: Uncertain significance. Last evaluated: 2022-11-03. Review status: criteria provided, single submitter. Criteria: ACMG Guidelines, 2015. Collection method: clinical testing. Allele origin: germline.

Labcorp Genetics (formerly Invitae), Labcorp
Classification: Uncertain significance. Last evaluated: 2022-09-27. Review status: criteria provided, single submitter. Criteria: Invitae Variant Classification Sherloc (09022015). Collection method: clinical testing. Allele origin: germline.
Comment: This sequence change replaces threonine, which is neutral and polar, with methionine, which is neutral and non-polar, at codon 547 of the RBP3 protein (p.Thr547Met). This variant is present in population databases (rs373846965, gnomAD 0.04%). This variant has not been reported in the literature in individuals affected with RBP3-related conditions. ClinVar contains an entry for this variant (Variation ID: 1430291). Algorithms developed to predict the effect of missense changes on protein structure and function are either unavailable or do not agree on the potential impact of this missense change (SIFT: "Deleterious"; PolyPhen-2: "Probably Damaging"; Align-GVGD: "Class C0"). In summary, the available evidence is currently insufficient to determine the role of this variant in disease. Therefore, it has been classified as a Variant of Uncertain Significance.